The following is an entry in ClinVar:

NM_030948.6(PHACTR1):c.665-7G>A

Gene: PHACTR1 (phosphatase and actin regulator 1; plus strand). Cytogenetic location: 6p24.1.
Variant type: single nucleotide variant.
Coding change: c.665-7G>A on transcript NM_030948.6 (MANE Select); 7 bases into the intron before coding-DNA position 665, G replaced by A.
Molecular consequence: intron variant.
Genome position (GRCh38, 1-based): chr6:13,205,808, G>A. VCF-style: chr6-13205808-G-A. GRCh37 (hg19) VCF-style: chr6-13206040-G-A.
Other names: c.665-7G>A (NM_001242648.4, NM_001374581.2, NM_001322308.3 and 1 more transcripts); c.872-7G>A (NM_001374582.1, NM_001322310.2); c.596-7G>A (NM_001322313.2); c.389-7G>A (NM_001322312.3, NM_001322311.2, NM_001374583.2); c.875-7G>A (NM_001322314.4).
Identifiers: ClinVar variation 4881159 (VCV004881159.2).

ClinVar aggregate classification (germline): Uncertain significance (1 of 4 stars; one submission).

Submission:

Dasa
Classification: Uncertain significance. Last evaluated: 2024-11-07. Review status: criteria provided, single submitter. Criteria: DASA Assertion Criteria. Collection method: clinical testing. Allele origin: germline.
Comment: NM_030948.6(PHACTR1):c.665-7G>A is a splice-region variant. This variant is absent from population databases. Computational prediction algorithms are consistent with a benign effect. The currently available literature and clinical evidence are not sufficient to establish a definitive association between this variant and the reported condition. Therefore, this variant is classified as a variant of uncertain significance.